The following is an entry in ClinVar:

NM_006506.5(RASA2):c.1284+8A>G

Gene: RASA2 (RAS p21 protein activator 2; plus strand). Cytogenetic location: 3q23.
Variant type: single nucleotide variant.
Coding change: c.1284+8A>G on transcript NM_006506.5 (MANE Select); 8 bases into the intron after coding-DNA position 1284, A replaced by G.
Molecular consequence: intron variant.
Genome position (GRCh38, 1-based): chr3:141,572,731, A>G. VCF-style: chr3-141572731-A-G. GRCh37 (hg19) VCF-style: chr3-141291573-A-G.
Other names: c.1284+8A>G (NM_001303245.3, NM_001303246.3).
Identifiers: ClinVar variation 4777114 (VCV004777114.2).

ClinVar aggregate classification (germline): Likely benign. Review status: criteria provided, multiple submitters, no conflicts (2 of 4 stars). 2 submissions from 2 submitters: Likely benign (2). Last evaluated 2026-06-16.

Submissions (2):

Women's Health and Genetics/Laboratory Corporation of America, LabCorp
Classification: Likely benign. Last evaluated: 2026-06-16. Review status: criteria provided, single submitter. Criteria: LabCorp Variant Classification Summary - May 2015. Collection method: clinical testing. Allele origin: germline.
Comment: Variant summary: RASA2 c.1284+8A>G alters a nucleotide located at a position not widely known to affect splicing. Consensus agreement among computation tools predict no significant impact on normal splicing. However, these predictions have yet to be confirmed by functional studies. The variant allele was found at a frequency of 8.4e-06 in 238670 control chromosomes. The available data on variant occurrences in the general population are insufficient to allow any conclusion about variant significance. To our knowledge, no occurrence of c.1284+8A>G in individuals affected with RASA2-related conditions and no experimental evidence demonstrating its impact on protein function have been reported. ClinVar contains an entry for this variant (Variation ID: 4777114). Based on the evidence outlined above, the variant was classified as likely benign.

Labcorp Genetics (formerly Invitae), Labcorp
Classification: Likely benign. Last evaluated: 2026-01-07. Review status: criteria provided, single submitter. Criteria: Invitae Variant Classification Sherloc (09022015). Collection method: clinical testing. Allele origin: germline.